The following is an entry in ClinVar:

NM_001009944.3(PKD1):c.9398-1G>A

Gene: PKD1 (polycystin 1, transient receptor potential channel interacting; minus strand). Cytogenetic location: 16p13.3.
Variant type: single nucleotide variant.
Coding change: c.9398-1G>A on transcript NM_001009944.3 (MANE Select); the canonical splice acceptor site of the intron before coding-DNA position 9398, G replaced by A.
Molecular consequence: splice acceptor variant.
Genome position (GRCh38, 1-based): chr16:2,100,567, C>T on the plus strand (G>A on the coding strand, the complement: PKD1 is on the minus strand). VCF-style: chr16-2100567-C-T. GRCh37 (hg19) VCF-style: chr16-2150568-C-T.
Other names: c.9398-1G>A (NM_000296.4).
Identifiers: ClinVar variation 432351 (VCV000432351.2), dbSNP rs1555449642, ClinGen allele CA394356711.

ClinVar aggregate classification (germline): Likely pathogenic (1 of 4 stars; one submission).

Submission:

GeneDx
Classification: Likely pathogenic. Last evaluated: 2017-06-05. Review status: criteria provided, single submitter. Criteria: GeneDx Variant Classification (06012015). Collection method: clinical testing. Allele origin: germline. Affected: yes.
Comment: The c.9398-1G>A variant in the PKD1 gene has not been reported previously as a pathogenic variant nor as a benign variant, to our knowledge. This splice site variant destroys the canonical splice acceptor site in intron 26. It is predicted to cause abnormal gene splicing, either leading to an abnormal message that is subject to nonsense-mediated mRNA decay, or to an abnormal protein product if the message is used for protein translation. The c.9398-1G>A variant is not observed in large population cohorts (Lek et al., 2016; 1000 Genomes Consortium et al., 2015; Exome Variant Server). We interpret c.9398-1G>A as a likely pathogenic variant.